The following is an entry in ClinVar:

ClinVar aggregate classification (germline): Pathogenic (1 of 4 stars; one submission).

Conditions:
Neurofibromatosis, type 1 (NF1). Also called: VON RECKLINGHAUSEN DISEASE; Peripheral type neurofibromatosis; NEUROFIBROMATOSIS, TYPE I, SOMATIC; Neurofibromatosis, type I. Identifiers: Orphanet 636, MedGen C0027831, MONDO:0018975, OMIM 162200. Disease mechanism: loss of function.

Submission:

Labcorp Genetics (formerly Invitae), Labcorp
Classification: Pathogenic for Neurofibromatosis, type 1. Last evaluated: 2025-11-24. Review status: criteria provided, single submitter. Criteria: Invitae Variant Classification Sherloc (09022015). Collection method: clinical testing. Allele origin: germline.
Comment: This sequence change creates a premature translational stop signal (p.Glu1320*) in the NF1 gene. It is expected to result in an absent or disrupted protein product. Loss-of-function variants in NF1 are known to be pathogenic (PMID: 10712197, 23913538). This variant is not present in population databases (gnomAD no frequency). This premature translational stop signal has been observed in individual(s) with neurofibromatosis type 1 (PMID: 23656349). Algorithms developed to predict the effect of sequence changes on RNA splicing suggest that this variant may disrupt the consensus splice site. For these reasons, this variant has been classified as Pathogenic.

Literature cited by the submitters: PubMed 10712197; PubMed 23913538; PubMed 23656349.

NM_001042492.3(NF1):c.3958G>T (p.Glu1320Ter)

Gene: NF1 (neurofibromin 1; plus strand). Cytogenetic location: 17q11.2.
Variant type: single nucleotide variant.
Coding change: c.3958G>T on transcript NM_001042492.3 (MANE Select); coding-DNA position 3958, G replaced by T.
Protein change: p.Glu1320Ter; replaces glutamic acid 1320 with a stop codon.
Molecular consequence: nonsense.
Genome position (GRCh38, 1-based): chr17:31,236,005, G>T. VCF-style: chr17-31236005-G-T. GRCh37 (hg19) VCF-style: chr17-29563023-G-T.
Other names: c.3958G>T, p.Glu1320Ter (NM_000267.4); short protein forms E1320*.
Identifiers: ClinVar variation 4710352 (VCV004710352.1).